The following is an entry in ClinVar:

NM_000020.3(ACVRL1):c.535G>A (p.Asp179Asn)

Gene: ACVRL1 (activin A receptor like type 1; plus strand). Cytogenetic location: 12q13.13.
Variant type: single nucleotide variant.
Coding change: c.535G>A on transcript NM_000020.3 (MANE Select); coding-DNA position 535, G replaced by A.
Protein change: p.Asp179Asn; replaces aspartic acid 179 with asparagine.
Molecular consequence: missense variant. On other transcripts: intron variant (6).
Genome position (GRCh38, 1-based): chr12:51,913,983, G>A. VCF-style: chr12-51913983-G-A. GRCh37 (hg19) VCF-style: chr12-52307767-G-A.
Other names: c.535G>A, p.Asp179Asn (NM_001077401.2, NM_001406487.1, NM_001406488.1 and 1 more transcripts); c.314-456G>A (NM_001406491.1, NM_001406490.1, NM_001406492.1 and 2 more transcripts); c.62-456G>A (NM_001406495.1); short protein forms D179N.
Identifiers: ClinVar variation 4072499 (VCV004072499.1).

ClinVar aggregate classification (germline): Uncertain significance (1 of 4 stars; one submission).

Submission:

GeneDx
Classification: Uncertain significance. Last evaluated: 2024-12-23. Review status: criteria provided, single submitter. Criteria: GeneDx Variant Classification Process June 2021. Collection method: clinical testing. Allele origin: germline. Affected: yes.
Comment: Not observed at significant frequency in large population cohorts (gnomAD); In silico analysis supports that this missense variant has a deleterious effect on protein structure/function; Has not been previously published as pathogenic or benign to our knowledge